The following is an entry in ClinVar:

NM_000536.4(RAG2):c.361_364del (p.Thr121fs)

Gene: RAG2 (recombination activating 2; minus strand). Cytogenetic location: 11p12.
Variant type: Deletion.
Coding change: c.361_364del on transcript NM_000536.4 (MANE Select); coding-DNA positions 361 to 364, 4 bases deleted (ACTT; older notation c.361_364delACTT).
Protein change: p.Thr121fs; shifts the reading frame from threonine 121.
Molecular consequence: frameshift variant.
Genome position (GRCh38, 1-based): chr11:36,593,805-36,593,808, AAGT deleted on the plus strand (ACTT on the coding strand, the reverse complement: RAG2 is on the minus strand); deleting any 4 consecutive bases within chr11:36,593,805-36,593,810 gives the same sequence; the c. name uses the placement nearest the transcript's 3' end. VCF-style (leftmost placement, unchanged base first): chr11-36593804-AAAGT-A. GRCh37 (hg19) VCF-style: chr11-36615354-AAAGT-A.
Other names: c.361_364del, p.Thr121fs (NM_001243785.2, NM_001243786.2); short protein forms T121fs.
Identifiers: ClinVar variation 2950695 (VCV002950695.3), dbSNP rs2494797251, ClinGen allele CA2740093710.

ClinVar aggregate classification (germline): Pathogenic (1 of 4 stars; one submission).

Conditions:
Severe combined immunodeficiency, autosomal recessive, T cell-negative, B cell-negative, NK cell-positive. Also called: SCID, AR, T-cell negative, B-cell negative, NK cell-positive; SCID, T CELL-NEGATIVE, B CELL-NEGATIVE, NK CELL-POSITIVE; Severe combined immunodeficiency due to complete RAG1/2 deficiency. Identifiers: Orphanet 331206, MedGen C1832322, MONDO:0011086, OMIM 601457.
Combined immunodeficiency with skin granulomas. Identifiers: Orphanet 157949, MedGen C2673536, MONDO:0009306, OMIM 233650.

Submission:

Labcorp Genetics (formerly Invitae), Labcorp
Classification: Pathogenic for Combined immunodeficiency with skin granulomas; Severe combined immunodeficiency, autosomal recessive, T cell-negative, B cell-negative, NK cell-positive. Last evaluated: 2023-08-11. Review status: criteria provided, single submitter. Criteria: Invitae Variant Classification Sherloc (09022015). Collection method: clinical testing. Allele origin: germline.
Comment: This sequence change creates a premature translational stop signal (p.Thr121Phefs*9) in the RAG2 gene. While this is not anticipated to result in nonsense mediated decay, it is expected to disrupt the last 407 amino acid(s) of the RAG2 protein. This variant is not present in population databases (gnomAD no frequency). This variant has not been reported in the literature in individuals affected with RAG2-related conditions. This variant disrupts a region of the RAG2 protein in which other variant(s) (p.Glu480*) have been determined to be pathogenic (PMID: 21624848, 29772310). This suggests that this is a clinically significant region of the protein, and that variants that disrupt it are likely to be disease-causing. For these reasons, this variant has been classified as Pathogenic.

Literature cited by the submitters: PubMed 21624848; PubMed 29772310.